The following is an entry in ClinVar:

ClinVar aggregate classification (germline): Likely benign (1 of 4 stars; one submission).

Allele frequency attached by ClinVar (database versions not stated): gnomAD exomes 0.00035 and 0.00083; ExAC 0.00106; gnomAD 0.00333 and 0.00363; 1000 Genomes Project 0.00339; TOPMed 0.00405; 1000 Genomes Project 30x 0.00422.
gnomAD v4.1: 1,035 of 1,612,532 alleles (0.064%); highest among the groups gnomAD compares: African/African-American, 1.2%; 7 homozygotes.

Submission:

GeneDx
Classification: Likely benign. Last evaluated: 2018-06-16. Review status: criteria provided, single submitter. Criteria: GeneDx Variant Classification (06012015). Collection method: clinical testing. Allele origin: germline. Affected: yes.
Comment: This variant is considered likely benign or benign based on one or more of the following criteria: it is a conservative change, it occurs at a poorly conserved position in the protein, it is predicted to be benign by multiple in silico algorithms, and/or has population frequency not consistent with disease.

NM_004637.6(RAB7A):c.400-48C>G

Gene: RAB7A (RAB7A, member RAS oncogene family; plus strand). Cytogenetic location: 3q21.3.
Variant type: single nucleotide variant.
Coding change: c.400-48C>G on transcript NM_004637.6 (MANE Select); 48 bases into the intron before coding-DNA position 400, C replaced by G.
Molecular consequence: intron variant.
Genome position (GRCh38, 1-based): chr3:128,807,495, C>G. VCF-style: chr3-128807495-C-G. GRCh37 (hg19) VCF-style: chr3-128526338-C-G.
Identifiers: ClinVar variation 678236 (VCV000678236.1), dbSNP rs565688723, ClinGen allele CA2600826.